The following is an entry in ClinVar:

NM_018012.4(KIF26B):c.4521G>A (p.Arg1507=)

Gene: KIF26B (kinesin family member 26B; plus strand). Cytogenetic location: 1q44.
Variant type: single nucleotide variant.
Coding change: c.4521G>A on transcript NM_018012.4 (MANE Select); coding-DNA position 4521, G replaced by A.
Protein change: p.Arg1507=; no amino-acid change (arginine 1507 retained).
Molecular consequence: synonymous variant.
Genome position (GRCh38, 1-based): chr1:245,687,504, G>A. VCF-style: chr1-245687504-G-A. GRCh37 (hg19) VCF-style: chr1-245850806-G-A.
Identifiers: ClinVar variation 3055554 (VCV003055554.2), dbSNP rs117760772, ClinGen allele CA1488488.

ClinVar aggregate classification (germline): Benign (0 of 4 stars; one submission).

Conditions:
KIF26B-related disorder. Also called: KIF26B-related condition.

Allele frequency attached by ClinVar (database versions not stated): ESP Exome Variant Server 0.00032; gnomAD exomes 0.00073; gnomAD 0.00167; TOPMed 0.00183; ExAC 0.00412; 1000 Genomes Project 30x 0.00718; 1000 Genomes Project 0.00719.
gnomAD v4.1: 1,441 of 1,578,314 alleles (0.091%); highest among the groups gnomAD compares: East Asian, 2.5%; 33 homozygotes.

Submission:

PreventionGenetics, part of Exact Sciences
Classification: Benign for KIF26B-related condition. Last evaluated: 2019-08-07. Review status: no assertion criteria provided. Collection method: clinical testing. Allele origin: germline.
Comment: This variant is classified as benign based on ACMG/AMP sequence variant interpretation guidelines (Richards et al. 2015 PMID: 25741868, with internal and published modifications).